The following is an entry in ClinVar:

NM_001903.5(CTNNA1):c.1882G>T (p.Ala628Ser)

Gene: CTNNA1 (catenin alpha 1; plus strand). Cytogenetic location: 5q31.2.
Variant type: single nucleotide variant.
Coding change: c.1882G>T on transcript NM_001903.5 (MANE Select); coding-DNA position 1882, G replaced by T.
Protein change: p.Ala628Ser; replaces alanine 628 with serine.
Molecular consequence: missense variant.
Genome position (GRCh38, 1-based): chr5:138,925,390, G>T. VCF-style: chr5-138925390-G-T. GRCh37 (hg19) VCF-style: chr5-138261079-G-T.
Other names: c.1882G>T (NM_001903.2, NM_001903.3); c.1882G>T, p.Ala628Ser (NM_001290307.3, NM_001323982.2, NM_001323983.1 and 2 more transcripts); c.1573G>T, p.Ala525Ser (NM_001290309.3); c.1513G>T, p.Ala505Ser (NM_001290310.3); c.772G>T, p.Ala258Ser (NM_001290312.1, NM_001323987.1, NM_001323988.1 and 17 more transcripts); c.1789G>T, p.Ala597Ser (NM_001323986.2); c.433G>T, p.Ala145Ser (NM_001324006.1, NM_001324007.1, NM_001324008.1 and 2 more transcripts); c.679G>T, p.Ala227Ser (NM_001324011.1); and 1 more; short protein forms A227S, A145S, A505S, A628S, A258S, A525S, A177S, A597S.
Identifiers: ClinVar variation 1047764 (VCV001047764.10), dbSNP rs1192687150, ClinGen allele CA361132415.

ClinVar aggregate classification (germline): Uncertain significance. Review status: criteria provided, multiple submitters, no conflicts (2 of 4 stars). 3 submissions from 3 submitters: Uncertain significance (3). Last evaluated 2025-07-14.

Conditions:
Hereditary cancer-predisposing syndrome. Also called: Hereditary Cancer Syndrome; Tumor predisposition; Hereditary neoplastic syndrome; Neoplastic Syndromes, Hereditary. Identifiers: Orphanet 140162, MedGen C0027672, MeSH D009386, MONDO:0015356.

Allele frequency attached by ClinVar (database versions not stated): gnomAD exomes below 0.00001.
gnomAD v4.1: 1 of 1,614,144 alleles (0.000062%); highest among the groups gnomAD compares: Non-Finnish European, 0.000085%; no homozygotes.

Submissions (3):

Ambry Genetics
Classification: Uncertain significance for Hereditary cancer-predisposing syndrome. Last evaluated: 2025-07-14. Review status: criteria provided, single submitter. Criteria: Ambry Variant Classification Scheme 2023. Collection method: clinical testing. Allele origin: germline.
Comment: The p.A628S variant (also known as c.1882G>T), located in coding exon 12 of the CTNNA1 gene, results from a G to T substitution at nucleotide position 1882. The alanine at codon 628 is replaced by serine, an amino acid with similar properties. This amino acid position is conserved. In addition, the in silico prediction for this alteration is inconclusive. Since supporting evidence is limited at this time, the clinical significance of this alteration remains unclear.

GeneDx
Classification: Uncertain significance. Last evaluated: 2022-12-16. Review status: criteria provided, single submitter. Criteria: GeneDx Variant Classification Process June 2021. Collection method: clinical testing. Allele origin: germline. Affected: yes.
Comment: Not observed at significant frequency in large population cohorts (gnomAD); In silico analysis supports that this missense variant does not alter protein structure/function; Has not been previously published as pathogenic or benign to our knowledge

Labcorp Genetics (formerly Invitae), Labcorp
Classification: Uncertain significance. Last evaluated: 2021-11-24. Review status: criteria provided, single submitter. Criteria: Invitae Variant Classification Sherloc (09022015). Collection method: clinical testing. Allele origin: germline.
Comment: In summary, the available evidence is currently insufficient to determine the role of this variant in disease. Therefore, it has been classified as a Variant of Uncertain Significance. Algorithms developed to predict the effect of missense changes on protein structure and function are either unavailable or do not agree on the potential impact of this missense change (SIFT: "Tolerated"; PolyPhen-2: "Possibly Damaging"; Align-GVGD: "Class C0"). ClinVar contains an entry for this variant (Variation ID: 1047764). This variant has not been reported in the literature in individuals affected with CTNNA1-related conditions. This variant is present in population databases (no rsID available, gnomAD 0.0009%). This sequence change replaces alanine, which is neutral and non-polar, with serine, which is neutral and polar, at codon 628 of the CTNNA1 protein (p.Ala628Ser).